The following is an entry in ClinVar:

NM_015629.4(PRPF31):c.923dup (p.His309fs)

Gene: PRPF31 (pre-mRNA processing factor 31; plus strand). Cytogenetic location: 19q13.42.
Variant type: Duplication.
Coding change: c.923dup on transcript NM_015629.4 (MANE Select); coding-DNA position 923, one base duplicated (T; older notation c.923dupT).
Protein change: p.His309fs; shifts the reading frame from histidine 309.
Molecular consequence: frameshift variant.
Genome position (GRCh38, 1-based): chr19:54,126,595, T duplicated; the last of 3 consecutive T bases (chr19:54,126,593-54,126,595); duplicating any one gives the same sequence. VCF-style (leftmost placement, unchanged base first): chr19-54126592-G-GT. GRCh37 (hg19) VCF-style: chr19-54629967-G-GT.
Other names: short protein forms H309fs.
Identifiers: ClinVar variation 1458143 (VCV001458143.6), dbSNP rs2146436884, ClinGen allele CA2573156651.
Genomic context (GRCh38, chr19:54,126,592, plus strand): 5'-TGCGGCGGAAAGCGGCCCGGCTGGTGGCCGCCAAGTGCACACTGGCAGCCCGTGTGGACA[G>GT]TTTCCACGAGAGCACAGAAGGGAAGGTGAGGAGGGAAAGGTGAGGGGCGGCCGGGCGTCT-3'

ClinVar aggregate classification (germline): Pathogenic (1 of 4 stars; one submission).

Submission:

Labcorp Genetics (formerly Invitae), Labcorp
Classification: Pathogenic. Last evaluated: 2021-02-11. Review status: criteria provided, single submitter. Criteria: Invitae Variant Classification Sherloc (09022015). Collection method: clinical testing. Allele origin: germline.
Comment: For these reasons, this variant has been classified as Pathogenic. This sequence change creates a premature translational stop signal (p.His309Profs*15) in the PRPF31 gene. It is expected to result in an absent or disrupted protein product. Loss-of-function variants in PRPF31 are known to be pathogenic (PMID: 18317597, 23950152). This variant is not present in population databases (ExAC no frequency). This variant has not been reported in the literature in individuals with PRPF31-related conditions.

Literature cited by the submitters: PubMed 18317597; PubMed 23950152.